The following is an entry in ClinVar:

NM_002439.5(MSH3):c.1366G>A (p.Glu456Lys)

Gene: MSH3 (mutS homolog 3; plus strand). Cytogenetic location: 5q14.1.
Variant type: single nucleotide variant.
Coding change: c.1366G>A on transcript NM_002439.5 (MANE Select); coding-DNA position 1366, G replaced by A.
Protein change: p.Glu456Lys; replaces glutamic acid 456 with lysine.
Molecular consequence: missense variant.
Genome position (GRCh38, 1-based): chr5:80,725,478, G>A. VCF-style: chr5-80725478-G-A. GRCh37 (hg19) VCF-style: chr5-80021297-G-A.
Other names: short protein forms E456K.
Identifiers: ClinVar variation 658005 (VCV000658005.21), dbSNP rs963234468, ClinGen allele CA121292298.

ClinVar aggregate classification (germline): Uncertain significance. Review status: criteria provided, multiple submitters, no conflicts (2 of 4 stars). 8 submissions from 8 submitters: Uncertain significance (7). 1 of the submissions does not count toward it. Last evaluated 2026-01-21.

Conditions:
MSH3-related disorder. Also called: MSH3-related condition.
Hereditary cancer-predisposing syndrome. Also called: Hereditary neoplastic syndrome; Neoplastic Syndromes, Hereditary; Hereditary Cancer Syndrome; Tumor predisposition. Identifiers: Orphanet 140162, MedGen C0027672, MeSH D009386, MONDO:0015356.
Familial adenomatous polyposis 4 (FAP4). Also called: MSH3-related attenuated familial adenomatous polyposis. Identifiers: Orphanet 480536, MedGen C4310719, MONDO:0044300, OMIM 617100.
Endometrial carcinoma. Also called: Endometrial carcinoma, somatic. Identifiers: MedGen C0476089, MONDO:0002447, OMIM 608089, HP:0012114.

Allele frequency attached by ClinVar (database versions not stated): gnomAD exomes below 0.00001 and 0.00001; TOPMed 0.00004.
gnomAD v4.1: 17 of 1,613,454 alleles (0.0011%); highest among the groups gnomAD compares: African/African-American, 0.015%; no homozygotes.

Submissions (8):

Labcorp Genetics (formerly Invitae), Labcorp
Classification: Uncertain significance. Last evaluated: 2026-01-21. Review status: criteria provided, single submitter. Criteria: Invitae Variant Classification Sherloc (09022015). Collection method: clinical testing. Allele origin: germline.
Comment: This sequence change replaces glutamic acid, which is acidic and polar, with lysine, which is basic and polar, at codon 456 of the MSH3 protein (p.Glu456Lys). This variant is present in population databases (no rsID available, gnomAD 0.01%). This variant has not been reported in the literature in individuals affected with MSH3-related conditions. ClinVar contains an entry for this variant (Variation ID: 658005). An algorithm developed to predict the effect of missense changes on protein structure and function (PolyPhen-2) suggests that this variant is likely to be disruptive. In summary, the available evidence is currently insufficient to determine the role of this variant in disease. Therefore, it has been classified as a Variant of Uncertain Significance.

GeneDx
Classification: Uncertain significance. Last evaluated: 2025-08-27. Review status: criteria provided, single submitter. Criteria: GeneDx Variant Classification Process June 2021. Collection method: clinical testing. Allele origin: germline. Affected: yes.
Comment: Not observed at significant frequency in large population cohorts (gnomAD); In silico analysis supports that this missense variant has a deleterious effect on protein structure/function; This variant is associated with the following publications: (PMID: 33606809, 31127692)

Quest Diagnostics Nichols Institute San Juan Capistrano
Classification: Uncertain significance. Last evaluated: 2024-10-24. Review status: criteria provided, single submitter. Criteria: Quest Diagnostics criteria. Collection method: clinical testing. Allele origin: unknown.
Comment: The MSH3 c.1366G>A (p.Glu456Lys) variant has been reported in the published literature in an individual with breast cancer (PMID: 33606809 (2021)). This variant has also been identified as a somatic variant in an individual with colorectal cancer (PMID: 31127692 (2019)). The frequency of this variant in the general population, 0.00012 (3/24942 chromosomes (Genome Aggregation Database)), is uninformative in the assessment of its pathogenicity. Analysis of this variant using bioinformatics tools for the prediction of the effect of amino acid changes on protein structure and function yielded conflicting predictions that this variant is benign or damaging. Based on the available information, we are unable to determine the clinical significance of this variant.

Baylor Genetics
Classification: Uncertain significance for Endometrial carcinoma. Last evaluated: 2024-03-20. Review status: criteria provided, single submitter. Criteria: ACMG Guidelines, 2015. Collection method: clinical testing. Allele origin: unknown.

St. Jude Molecular Pathology, St. Jude Children's Research Hospital
Classification: Uncertain significance for Familial adenomatous polyposis 4. Last evaluated: 2024-01-14. Review status: criteria provided, single submitter. Criteria: St. Jude Assertion Criteria 2020. Collection method: clinical testing. Allele origin: germline.

Ambry Genetics
Classification: Uncertain significance for Hereditary cancer-predisposing syndrome. Last evaluated: 2023-12-11. Review status: criteria provided, single submitter. Criteria: Ambry Variant Classification Scheme 2023. Collection method: clinical testing. Allele origin: germline.
Comment: The p.E456K variant (also known as c.1366G>A), located in coding exon 9 of the MSH3 gene, results from a G to A substitution at nucleotide position 1366. The glutamic acid at codon 456 is replaced by lysine, an amino acid with similar properties. This amino acid position is highly conserved in available vertebrate species. In addition, this alteration is predicted to be deleterious by in silico analysis. Since supporting evidence is limited at this time, the clinical significance of this alteration remains unclear.

Sema4
Classification: Uncertain significance for Hereditary cancer-predisposing syndrome. Last evaluated: 2022-03-09. Review status: criteria provided, single submitter. Criteria: Sema4 Curation Guidelines. Collection method: curation. Allele origin: germline.
Comment: The MSH3 c.1366G>A (p.E456K) variant has not been reported in the individuals with MSH3-related disease. It was observed in 3/24942 chromosomes in the African/African American population according to the Genome Aggregation Database (PMID: 32461654). This variant has been reported in ClinVar (Variation ID: 658005). In silico tools suggest the impact of the variant on protein function is deleterious, though these predictions have not been confirmed by functional studies. The evidence is insufficient to meet ACMG/AMP criteria for classifying the variant as benign or pathogenic. Thus, the clinical significance of this variant is currently uncertain.

PreventionGenetics, part of Exact Sciences
Classification: Uncertain significance for MSH3-related condition. Last evaluated: 2024-05-09. Review status: no assertion criteria provided. Collection method: clinical testing. Allele origin: germline. Not counted in ClinVar's aggregate classification.
Comment: The MSH3 c.1366G>A variant is predicted to result in the amino acid substitution p.Glu456Lys. This variant, along with missense variants in PMS1 and PMS2, has been reported in a tumor tissue sample from an individual with colorectal cancer; no additional studies were done to determine if the variants were germline or somatic (Supplementary Table 2, Chang YS et al 2019. PubMed ID: 31127692). This variant is reported in 0.012% of alleles in individuals of African descent in gnomAD and has been classified in ClinVar as a variant of uncertain significance. At this time, the clinical significance of this variant is uncertain due to the absence of conclusive functional and genetic evidence.

Literature cited by the submitters: PubMed 33606809 (cited by Quest Diagnostics Nichols Institute San Juan Capistrano); PubMed 31127692 (cited by Quest Diagnostics Nichols Institute San Juan Capistrano).